The following is an entry in ClinVar:

ClinVar aggregate classification (germline): Uncertain significance (1 of 4 stars; one submission).

Submission:

GeneDx
Classification: Uncertain significance. Last evaluated: 2024-12-23. Review status: criteria provided, single submitter. Criteria: GeneDx Variant Classification Process June 2021. Collection method: clinical testing. Allele origin: germline. Affected: yes.
Comment: In-frame deletion of 1 amino acid(s) in a non-repeat region; In silico analysis does not support a benign or deleterious effect of this variant on protein structure/function; Reported using an alternate transcript of the gene; Has not been previously published as pathogenic or benign to our knowledge

NM_001258392.3(CLPB):c.456-5081_456-5079del

Gene: CLPB (ClpB family mitochondrial disaggregase; minus strand). Cytogenetic location: 11q13.4.
Variant type: Microsatellite.
Coding change: c.456-5081_456-5079del on transcript NM_001258392.3 (MANE Select); 5081 bases into the intron before coding-DNA position 456 through 5079 bases into the intron before coding-DNA position 456, 3 bases deleted (GAA; older notation c.456-5081_456-5079delGAA).
Molecular consequence: intron variant.
Genome position (GRCh38, 1-based): chr11:72,408,131-72,408,133, TTC deleted on the plus strand (GAA on the coding strand, the reverse complement: CLPB is on the minus strand); deleting any 3 consecutive bases within chr11:72,408,131-72,408,136 gives the same sequence; the c. name uses the placement nearest the transcript's 3' end. VCF-style (leftmost placement, unchanged base first): chr11-72408130-GTTC-G. GRCh37 (hg19) VCF-style: chr11-72119174-GTTC-G.
Other names: c.282GAA[1], p.Lys95del (NM_001258394.3); c.455+22179_455+22181del (NM_001258393.3); c.456-5081_456-5079del (NM_030813.6); short protein forms K95del.
Identifiers: ClinVar variation 3906727 (VCV003906727.1).